The following is an entry in ClinVar:

ClinVar aggregate classification (germline): Uncertain significance (1 of 4 stars; one submission).

Conditions:
Cardiovascular phenotype. Identifiers: MedGen CN230736.

Submission:

Ambry Genetics
Classification: Uncertain significance for Cardiovascular phenotype. Last evaluated: 2025-07-21. Review status: criteria provided, single submitter. Criteria: Ambry Variant Classification Scheme 2023. Collection method: clinical testing. Allele origin: germline.
Comment: The p.W3160C variant (also known as c.9480G>T), located in coding exon 2 of the ZNF469 gene, results from a G to T substitution at nucleotide position 9480. The tryptophan at codon 3160 is replaced by cysteine, an amino acid with highly dissimilar properties. This amino acid position is conserved. In addition, this alteration is predicted to be tolerated by in silico analysis. Based on the available evidence, the clinical significance of this variant remains unclear.

NM_001127464.1:c.9480G>T

Gene: ZNF469 (zinc finger protein 469; plus strand).
Variant type: single nucleotide variant.
Identifiers: ClinVar variation 4209170 (VCV004209170.1).